The following is an entry in ClinVar:

ClinVar aggregate classification (germline): Uncertain significance (1 of 4 stars; one submission).

Conditions:
Tuberous sclerosis 1 (TSC1). Identifiers: Orphanet 805, MedGen C1854465, MONDO:0008612, OMIM 191100.

Submission:

Labcorp Genetics (formerly Invitae), Labcorp
Classification: Uncertain significance for Tuberous sclerosis 1. Last evaluated: 2023-05-26. Review status: criteria provided, single submitter. Criteria: Invitae Variant Classification Sherloc (09022015). Collection method: clinical testing. Allele origin: germline.
Comment: In summary, the available evidence is currently insufficient to determine the role of this variant in disease. Therefore, it has been classified as a Variant of Uncertain Significance. Advanced modeling of protein sequence and biophysical properties (such as structural, functional, and spatial information, amino acid conservation, physicochemical variation, residue mobility, and thermodynamic stability) performed at Invitae indicates that this missense variant is not expected to disrupt TSC1 protein function. ClinVar contains an entry for this variant (Variation ID: 2122942). This variant has not been reported in the literature in individuals affected with TSC1-related conditions. This variant is not present in population databases (gnomAD no frequency). This sequence change replaces glutamic acid, which is acidic and polar, with glutamine, which is neutral and polar, at codon 1044 of the TSC1 protein (p.Glu1044Gln).

NM_000368.5(TSC1):c.3130G>C (p.Glu1044Gln)

Gene: TSC1 (TSC complex subunit 1; minus strand). Cytogenetic location: 9q34.13.
Variant type: single nucleotide variant.
Coding change: c.3130G>C on transcript NM_000368.5 (MANE Select); coding-DNA position 3130, G replaced by C.
Protein change: p.Glu1044Gln; replaces glutamic acid 1044 with glutamine.
Molecular consequence: missense variant.
Genome position (GRCh38, 1-based): chr9:132,896,600, C>G on the plus strand (G>C on the coding strand, the complement: TSC1 is on the minus strand). VCF-style: chr9-132896600-C-G. GRCh37 (hg19) VCF-style: chr9-135771987-C-G.
Other names: c.3127G>C, p.Glu1043Gln (NM_001406597.1, NM_001406598.1, NM_001406599.1 and 2 more transcripts); c.3115G>C, p.Glu1039Gln (NM_001406601.1, NM_001406602.1); c.3112G>C, p.Glu1038Gln (NM_001406603.1, NM_001406604.1); c.3088G>C, p.Glu1030Gln (NM_001406605.1, NM_001406606.1, NM_001406607.1); c.2767G>C, p.Glu923Gln (NM_001406616.1, NM_001362177.2, NM_001406614.1 and 4 more transcripts); c.2977G>C, p.Glu993Gln (NM_001162427.2, NM_001406610.1); c.3130G>C, p.Glu1044Gln (NM_001406592.1, NM_001406593.1, NM_001406594.1 and 2 more transcripts); c.3085G>C, p.Glu1029Gln (NM_001406608.1, NM_001406609.1); and 8 more; short protein forms E1029Q, E992Q, E1038Q, E1039Q, E726Q, E908Q, E993Q, E693Q.
Identifiers: ClinVar variation 2122942 (VCV002122942.4), dbSNP rs796053462, ClinGen allele CA375367287.
Genomic context (GRCh38, chr9:132,896,600, plus strand): 5'-CCCACCGACTGCTGAATGGGCCTGCCCTCTGGTGTGGGGGTTTCTCTGGGGTAGAAAGCT[C>G]GCTGCTGCTGCTGCTGCTGCCTCCACCACCTCTGCTTCCACTACTGCCCCGGGCGCTGCT-3'
Protein context (NP_000359.1, residues 1034-1054): GGGGSSSSSS[Glu1044Gln]LSTPEKPPHQ